The following is an entry in ClinVar:

NM_080680.3(COL11A2):c.443+4A>T

Gene: COL11A2 (collagen type XI alpha 2 chain; minus strand). Cytogenetic location: 6p21.32.
Variant type: single nucleotide variant.
Coding change: c.443+4A>T on transcript NM_080680.3 (MANE Select); 4 bases into the intron after coding-DNA position 443, A replaced by T.
Molecular consequence: intron variant.
Genome position (GRCh38, 1-based): chr6:33,188,974, T>A on the plus strand (A>T on the coding strand, the complement: COL11A2 is on the minus strand). VCF-style: chr6-33188974-T-A. GRCh37 (hg19) VCF-style: chr6-33156751-T-A.
Other names: c.-404+4A>T (NM_001424111.1, NM_001424110.1, NM_001424109.1); c.443+4A>T (NM_080679.3, NM_080681.3, NM_001424108.1 and 1 more transcripts).
Identifiers: ClinVar variation 3370036 (VCV003370036.1).
Genomic context (GRCh38, chr6:33,188,974, plus strand): 5'-GGGTTTGGGGGCACTTCCTCCTGAAAGTGTGGGCCAGGCAGACCAGAGGAGCAAACAAAC[T>A]TACTTGCCATCTGCTAGGCTGAGGCCTCGGAAGACTGGCTGAGAGGGAGGTTGAGGCCGC-3'

ClinVar aggregate classification (germline): Uncertain significance (1 of 4 stars; one submission).

Submission:

GeneDx
Classification: Uncertain significance. Last evaluated: 2023-12-29. Review status: criteria provided, single submitter. Criteria: GeneDx Variant Classification Process June 2021. Collection method: clinical testing. Allele origin: germline. Affected: yes.
Comment: Not observed at significant frequency in large population cohorts (gnomAD); In silico analysis supports a deleterious effect on splicing; Has not been previously published as pathogenic or benign to our knowledge